The following is an entry in ClinVar:

ClinVar aggregate classification (germline): Uncertain significance (1 of 4 stars; one submission).

Conditions:
Jeune thoracic dystrophy. Also called: Jeune syndrome; Infantile thoracic dystrophy; Thoracic pelvic phalangeal dystrophy; Jeune's syndrome; Chondroectodermal dysplasia-like syndrome; Short-rib thoracic dysplasia. Identifiers: Orphanet 474, MedGen C0265275, MONDO:0018770.

Allele frequency attached by ClinVar (database versions not stated): gnomAD exomes below 0.00001.

Submission:

Labcorp Genetics (formerly Invitae), Labcorp
Classification: Uncertain significance for Jeune thoracic dystrophy. Last evaluated: 2022-06-02. Review status: criteria provided, single submitter. Criteria: Invitae Variant Classification Sherloc (09022015). Collection method: clinical testing. Allele origin: germline.
Comment: This sequence change replaces glycine, which is neutral and non-polar, with aspartic acid, which is acidic and polar, at codon 808 of the DYNC2H1 protein (p.Gly808Asp). This variant is not present in population databases (gnomAD no frequency). This variant has not been reported in the literature in individuals affected with DYNC2H1-related conditions. Advanced modeling of protein sequence and biophysical properties (such as structural, functional, and spatial information, amino acid conservation, physicochemical variation, residue mobility, and thermodynamic stability) performed at Invitae indicates that this missense variant is not expected to disrupt DYNC2H1 protein function. In summary, the available evidence is currently insufficient to determine the role of this variant in disease. Therefore, it has been classified as a Variant of Uncertain Significance.

NM_001377.3(DYNC2H1):c.2423G>A (p.Gly808Asp)

Gene: DYNC2H1 (dynein cytoplasmic 2 heavy chain 1; plus strand). Cytogenetic location: 11q22.3.
Variant type: single nucleotide variant.
Coding change: c.2423G>A on transcript NM_001377.3 (MANE Select); coding-DNA position 2423, G replaced by A.
Protein change: p.Gly808Asp; replaces glycine 808 with aspartic acid.
Molecular consequence: missense variant.
Genome position (GRCh38, 1-based): chr11:103,135,797, G>A. VCF-style: chr11-103135797-G-A. GRCh37 (hg19) VCF-style: chr11-103006526-G-A.
Other names: c.2423G>A, p.Gly808Asp (NM_001080463.2); short protein forms G808D.
Identifiers: ClinVar variation 1940852 (VCV001940852.2), dbSNP rs2496919178, ClinGen allele CA382260483.